The following is an entry in ClinVar:

ClinVar aggregate classification (germline): Uncertain significance. Review status: criteria provided, multiple submitters, no conflicts (2 of 4 stars). 2 submissions from 2 submitters: Uncertain significance (2). Last evaluated 2022-10-17.

Conditions:
Inborn genetic diseases. Identifiers: MedGen C0950123, MeSH D030342.

Allele frequency attached by ClinVar (database versions not stated): ExAC 0.00013; ESP Exome Variant Server 0.00015; gnomAD exomes 0.00017.
gnomAD v4.1: 124 of 1,614,096 alleles (0.0077%); highest among the groups gnomAD compares: Admixed American, 0.072%; no homozygotes.

Submissions (2):

Labcorp Genetics (formerly Invitae), Labcorp
Classification: Uncertain significance. Last evaluated: 2022-10-17. Review status: criteria provided, single submitter. Criteria: Invitae Variant Classification Sherloc (09022015). Collection method: clinical testing. Allele origin: germline.
Comment: This sequence change replaces valine, which is neutral and non-polar, with methionine, which is neutral and non-polar, at codon 282 of the SLC1A4 protein (p.Val282Met). This variant is present in population databases (rs373422737, gnomAD 0.1%). This variant has not been reported in the literature in individuals affected with SLC1A4-related conditions. ClinVar contains an entry for this variant (Variation ID: 1394308). Advanced modeling of protein sequence and biophysical properties (such as structural, functional, and spatial information, amino acid conservation, physicochemical variation, residue mobility, and thermodynamic stability) performed at Invitae indicates that this missense variant is not expected to disrupt SLC1A4 protein function. In summary, the available evidence is currently insufficient to determine the role of this variant in disease. Therefore, it has been classified as a Variant of Uncertain Significance.

Ambry Genetics
Classification: Uncertain significance for Inborn genetic diseases. Last evaluated: 2021-06-15. Review status: criteria provided, single submitter. Criteria: Ambry Variant Classification Scheme 2023. Collection method: clinical testing. Allele origin: germline.

NM_003038.5(SLC1A4):c.844G>A (p.Val282Met)

Gene: SLC1A4 (solute carrier family 1 member 4; plus strand). Cytogenetic location: 2p14.
Variant type: single nucleotide variant.
Coding change: c.844G>A on transcript NM_003038.5 (MANE Select); coding-DNA position 844, G replaced by A.
Protein change: p.Val282Met; replaces valine 282 with methionine.
Molecular consequence: missense variant. On other transcripts: intron variant (1).
Genome position (GRCh38, 1-based): chr2:65,016,483, G>A. VCF-style: chr2-65016483-G-A. GRCh37 (hg19) VCF-style: chr2-65243617-G-A.
Other names: c.184G>A, p.Val62Met (NM_001348406.2, NM_001348407.2); c.141-1588G>A (NM_001193493.2); c.844G>A (NM_003038.4); short protein forms V62M, V282M.
Identifiers: ClinVar variation 1394308 (VCV001394308.4), dbSNP rs373422737, ClinGen allele CA1685998.
Genomic context (GRCh38, chr2:65,016,483, plus strand): 5'-CTGTGCTTGTGCCCTAGGTACGTACCTGTGGGCATCATGTTCCTTGTTGGAAGCAAGATC[G>A]TGGAAATGAAAGACATCATCGTGCTGGTGACCAGCCTGGGGAAATACATCTTCGCATCTA-3'
Protein context (NP_003029.2, residues 272-292): GIMFLVGSKI[Val282Met]EMKDIIVLVT